The following is an entry in ClinVar:

ClinVar aggregate classification (germline): Conflicting classifications of pathogenicity. Review status: criteria provided, conflicting classifications (1 of 4 stars). 2 submissions from 2 submitters: Uncertain significance (1); Likely benign (1). Last evaluated 2024-12-01.

gnomAD v4.1: 150 of 1,545,080 alleles (0.0097%); highest among the groups gnomAD compares: Non-Finnish European, 0.012%; no homozygotes.

Submissions (2):

CeGaT Center for Human Genetics Tuebingen
Classification: Likely benign. Last evaluated: 2024-12-01. Review status: criteria provided, single submitter. Criteria: CeGaT Center For Human Genetics Tuebingen Variant Classification Criteria Version 2. Collection method: clinical testing. Allele origin: germline. Affected: yes. Observed: 1 variant allele.
Comment: PNPT1: BP4, BP7

Blueprint Genetics
Classification: Uncertain significance. Last evaluated: 2023-06-05. Review status: criteria provided, single submitter. Criteria: ACMG Guidelines, 2015. Collection method: clinical testing. Allele origin: germline.

NM_033109.5(PNPT1):c.951A>G (p.Arg317=)

Gene: PNPT1 (polyribonucleotide nucleotidyltransferase 1; minus strand). Cytogenetic location: 2p16.1.
Variant type: single nucleotide variant.
Coding change: c.951A>G on transcript NM_033109.5 (MANE Select); coding-DNA position 951, A replaced by G.
Protein change: p.Arg317=; no amino-acid change (arginine 317 retained).
Molecular consequence: synonymous variant.
Genome position (GRCh38, 1-based): chr2:55,671,344, T>C on the plus strand (A>G on the coding strand, the complement: PNPT1 is on the minus strand). VCF-style: chr2-55671344-T-C. GRCh37 (hg19) VCF-style: chr2-55898479-T-C.
Identifiers: ClinVar variation 3771109 (VCV003771109.14).